The following is an entry in ClinVar:

ClinVar aggregate classification (germline): Uncertain significance (1 of 4 stars; one submission).

Submission:

GeneDx
Classification: Uncertain significance. Last evaluated: 2023-05-25. Review status: criteria provided, single submitter. Criteria: GeneDx Variant Classification Process June 2021. Collection method: clinical testing. Allele origin: germline. Affected: yes.
Comment: Not observed at significant frequency in large population cohorts (gnomAD); In silico analysis supports that this missense variant has a deleterious effect on protein structure/function; Has not been previously published as pathogenic or benign to our knowledge

NM_014712.3(SETD1A):c.587G>T (p.Gly196Val)

Gene: SETD1A (SET domain containing 1A, histone lysine methyltransferase; plus strand). Cytogenetic location: 16p11.2.
Variant type: single nucleotide variant.
Coding change: c.587G>T on transcript NM_014712.3 (MANE Select); coding-DNA position 587, G replaced by T.
Protein change: p.Gly196Val; replaces glycine 196 with valine.
Molecular consequence: missense variant.
Genome position (GRCh38, 1-based): chr16:30,963,502, G>T. VCF-style: chr16-30963502-G-T. GRCh37 (hg19) VCF-style: chr16-30974823-G-T.
Other names: short protein forms G196V.
Identifiers: ClinVar variation 3361999 (VCV003361999.1).